The following is an entry in ClinVar:

NM_024685.4(BBS10):c.846G>A (p.Gln282=)

Gene: BBS10 (Bardet-Biedl syndrome 10; minus strand). Cytogenetic location: 12q21.2.
Variant type: single nucleotide variant.
Coding change: c.846G>A on transcript NM_024685.4 (MANE Select); coding-DNA position 846, G replaced by A.
Protein change: p.Gln282=; no amino-acid change (glutamine 282 retained).
Molecular consequence: synonymous variant.
Genome position (GRCh38, 1-based): chr12:76,347,139, C>T on the plus strand (G>A on the coding strand, the complement: BBS10 is on the minus strand). VCF-style: chr12-76347139-C-T. GRCh37 (hg19) VCF-style: chr12-76740919-C-T.
Identifiers: ClinVar variation 3348657 (VCV003348657.1).

ClinVar aggregate classification (germline): Likely benign (0 of 4 stars; one submission).

Conditions:
BBS10-related disorder. Also called: BBS10-related condition.

Submission:

PreventionGenetics, part of Exact Sciences
Classification: Likely benign for BBS10-related condition. Last evaluated: 2024-03-12. Review status: no assertion criteria provided. Collection method: clinical testing. Allele origin: germline.
Comment: This variant is classified as likely benign based on ACMG/AMP sequence variant interpretation guidelines (Richards et al. 2015 PMID: 25741868, with internal and published modifications).